The following is an entry in ClinVar:

ClinVar aggregate classification (germline): Pathogenic (1 of 4 stars; one submission).

Conditions:
Intellectual disability, CASK-related, X-linked. Identifiers: MedGen CN043158.

Submission:

Labcorp Genetics (formerly Invitae), Labcorp
Classification: Pathogenic for Intellectual disability, CASK-related, X-linked. Last evaluated: 2024-03-07. Review status: criteria provided, single submitter. Criteria: Invitae Variant Classification Sherloc (09022015). Collection method: clinical testing. Allele origin: germline.
Comment: This sequence change creates a premature translational stop signal (p.His358Metfs*11) in the CASK gene. It is expected to result in an absent or disrupted protein product. Loss-of-function variants in CASK are known to be pathogenic (PMID: 19165920, 20029458, 21954287, 22452838, 22709267). This variant is not present in population databases (gnomAD no frequency). This variant has not been reported in the literature in individuals affected with CASK-related conditions. For these reasons, this variant has been classified as Pathogenic.

Literature cited by the submitters: PubMed 19165920; PubMed 20029458; PubMed 21954287; PubMed 22452838; PubMed 22709267.

NM_001367721.1(CASK):c.1072del (p.His358fs)

Gene: CASK (calcium/calmodulin dependent serine protein kinase; minus strand). Cytogenetic location: Xp11.4.
Variant type: Deletion.
Coding change: c.1072del on transcript NM_001367721.1 (MANE Select); coding-DNA position 1072, one base deleted (C; older notation c.1072delC).
Protein change: p.His358fs; shifts the reading frame from histidine 358.
Molecular consequence: frameshift variant.
Genome position (GRCh38, 1-based): chrX:41,609,987, G deleted on the plus strand (C on the coding strand, the reverse complement: CASK is on the minus strand). VCF-style (leftmost placement, unchanged base first): chrX-41609986-TG-T. GRCh37 (hg19) VCF-style: chrX-41469239-TG-T.
Other names: c.1072del, p.His358fs (NM_001126054.3, NM_003688.4); c.1054del, p.His352fs (NM_001126055.3, NM_001410745.1); short protein forms H352fs, H358fs.
Identifiers: ClinVar variation 3644942 (VCV003644942.2).
Genomic context (GRCh38, chrX:41,609,986, plus strand): 5'-TGATCCTGGAAAACACTGTGTAGAAAATCTAGGTCCTTTTCACTGCAGTCTGTAAGCGCA[TG>T]AATCTCTTCCAGGCTGTCCAGCACCTGTGAGACTGCTCCTAAGGGGGACAAACAGAAAAG-3'